The following is an entry in ClinVar:

NM_024721.5(ZFHX4):c.159G>C (p.Thr53=)

Gene: ZFHX4 (zinc finger homeobox 4; plus strand). Cytogenetic location: 8q21.13.
Variant type: single nucleotide variant.
Coding change: c.159G>C on transcript NM_024721.5 (MANE Select); coding-DNA position 159, G replaced by C.
Protein change: p.Thr53=; no amino-acid change (threonine 53 retained).
Molecular consequence: synonymous variant.
Genome position (GRCh38, 1-based): chr8:76,704,247, G>C. VCF-style: chr8-76704247-G-C. GRCh37 (hg19) VCF-style: chr8-77616482-G-C.
Other names: c.159G>C, p.Thr53= (NM_001410934.1).
Identifiers: ClinVar variation 3058764 (VCV003058764.2), dbSNP rs751341224, ClinGen allele CA461765293.

ClinVar aggregate classification (germline): Likely benign (0 of 4 stars; one submission).

Conditions:
ZFHX4-related disorder. Also called: ZFHX4-related condition.

Submission:

PreventionGenetics, part of Exact Sciences
Classification: Likely benign for ZFHX4-related condition. Last evaluated: 2019-02-20. Review status: no assertion criteria provided. Collection method: clinical testing. Allele origin: germline.
Comment: This variant is classified as likely benign based on ACMG/AMP sequence variant interpretation guidelines (Richards et al. 2015 PMID: 25741868, with internal and published modifications).